The following is an entry in ClinVar:

ClinVar aggregate classification (germline): Uncertain significance (1 of 4 stars; one submission).

Conditions:
Arrhythmogenic right ventricular dysplasia 8 (ARVD8). Also called: Arrhythmogenic Right Ventricular Dysplasia/Cardiomyopathy 8; ARRHYTHMOGENIC RIGHT VENTRICULAR DYSPLASIA, FAMILIAL, 8; ARRHYTHMOGENIC RIGHT VENTRICULAR CARDIOMYOPATHY 8. Identifiers: MedGen C1843896, MONDO:0011831, OMIM 607450.
Arrhythmogenic cardiomyopathy with wooly hair and keratoderma. Also called: Dilated cardiomyopathy with woolly hair and keratoderma; Arrhythmogenic cardiomyopathy with woolly hair and keratoderma; PALMOPLANTAR KERATODERMA WITH LEFT VENTRICULAR CARDIOMYOPATHY AND WOOLLY HAIR; Carvajal syndrome. Identifiers: Orphanet 65282, MedGen C1854063, MONDO:0011581, OMIM 605676.

Submission:

Labcorp Genetics (formerly Invitae), Labcorp
Classification: Uncertain significance for Arrhythmogenic cardiomyopathy with wooly hair and keratoderma; Arrhythmogenic right ventricular dysplasia 8. Last evaluated: 2021-12-13. Review status: criteria provided, single submitter. Criteria: Invitae Variant Classification Sherloc (09022015). Collection method: clinical testing. Allele origin: germline.
Comment: This sequence change replaces cysteine, which is neutral and slightly polar, with arginine, which is basic and polar, at codon 289 of the DSP protein (p.Cys289Arg). In summary, the available evidence is currently insufficient to determine the role of this variant in disease. Therefore, it has been classified as a Variant of Uncertain Significance. Algorithms developed to predict the effect of missense changes on protein structure and function are either unavailable or do not agree on the potential impact of this missense change (SIFT: "Tolerated"; PolyPhen-2: "Probably Damaging"; Align-GVGD: "Class C0"). This variant has not been reported in the literature in individuals affected with DSP-related conditions. This variant is not present in population databases (gnomAD no frequency).

NM_004415.4(DSP):c.865T>C (p.Cys289Arg)

Gene: DSP (desmoplakin; plus strand). Cytogenetic location: 6p24.3.
Variant type: single nucleotide variant.
Coding change: c.865T>C on transcript NM_004415.4 (MANE Select); coding-DNA position 865, T replaced by C.
Protein change: p.Cys289Arg; replaces cysteine 289 with arginine.
Molecular consequence: missense variant.
Genome position (GRCh38, 1-based): chr6:7,565,446, T>C. VCF-style: chr6-7565446-T-C. GRCh37 (hg19) VCF-style: chr6-7565679-T-C.
Other names: c.865T>C, p.Cys289Arg (NM_001319034.2, NM_001406591.1, NM_001008844.3); short protein forms C289R.
Identifiers: ClinVar variation 2042003 (VCV002042003.4), dbSNP rs2533872510, ClinGen allele CA362674416.